The following is an entry in ClinVar:

NM_006231.4(POLE):c.5108G>C (p.Cys1703Ser)

Gene: POLE (DNA polymerase epsilon, catalytic subunit; minus strand). Cytogenetic location: 12q24.33.
Variant type: single nucleotide variant.
Coding change: c.5108G>C on transcript NM_006231.4 (MANE Select); coding-DNA position 5108, G replaced by C.
Protein change: p.Cys1703Ser; replaces cysteine 1703 with serine.
Molecular consequence: missense variant.
Genome position (GRCh38, 1-based): chr12:132,642,242, C>G on the plus strand (G>C on the coding strand, the complement: POLE is on the minus strand). VCF-style: chr12-132642242-C-G. GRCh37 (hg19) VCF-style: chr12-133218828-C-G.
Other names: c.5108G>C (NM_006231.2); short protein forms C1703S.
Identifiers: ClinVar variation 540814 (VCV000540814.7), dbSNP rs961736994, ClinGen allele CA387376888.
Genomic context (GRCh38, chr12:132,642,242, plus strand): 5'-GAGTAACAGCCTGAACTGTTGATCTCAACAGTGGCTTGGTCATCGAACTCCATGACAAGA[C>G]AGTTGTCATCAGCCTCCTTTCCACCCAGGTCAGGGCGGGCTGTAGGGGACAGCCAGAGCA-3'
Protein context (NP_006222.2, residues 1693-1713): DLGGKEADDN[Cys1703Ser]LVMEFDDQAT

ClinVar aggregate classification (germline): Uncertain significance. Review status: criteria provided, multiple submitters, no conflicts (2 of 4 stars). 2 submissions from 2 submitters: Uncertain significance (2). Last evaluated 2023-03-11.

Conditions:
Colorectal cancer, susceptibility to, 12 (CRCS12). Also called: COLORECTAL CANCER, SUSCEPTIBILITY TO, ON CHROMOSOME 12q24. Identifiers: Orphanet 220460, MedGen C3554460, MONDO:0014038, OMIM 615083.
Hereditary cancer-predisposing syndrome. Also called: Neoplastic Syndromes, Hereditary; Hereditary Cancer Syndrome; Hereditary neoplastic syndrome; Tumor predisposition. Identifiers: Orphanet 140162, MedGen C0027672, MeSH D009386, MONDO:0015356.

Allele frequency attached by ClinVar (database versions not stated): gnomAD exomes below 0.00001.

Submissions (2):

Ambry Genetics
Classification: Uncertain significance for Hereditary cancer-predisposing syndrome. Last evaluated: 2023-03-11. Review status: criteria provided, single submitter. Criteria: Ambry Variant Classification Scheme 2023. Collection method: clinical testing. Allele origin: germline.
Comment: The p.C1703S variant (also known as c.5108G>C), located in coding exon 38 of the POLE gene, results from a G to C substitution at nucleotide position 5108. The cysteine at codon 1703 is replaced by serine, an amino acid with dissimilar properties. This amino acid position is conserved. In addition, this alteration is predicted to be tolerated by in silico analysis. Since supporting evidence is limited at this time, the clinical significance of this alteration remains unclear.

Labcorp Genetics (formerly Invitae), Labcorp
Classification: Uncertain significance for Colorectal cancer, susceptibility to, 12. Last evaluated: 2021-08-28. Review status: criteria provided, single submitter. Criteria: Invitae Variant Classification Sherloc (09022015). Collection method: clinical testing. Allele origin: germline.
Comment: This sequence change replaces cysteine with serine at codon 1703 of the POLE protein (p.Cys1703Ser). The cysteine residue is weakly conserved and there is a moderate physicochemical difference between cysteine and serine. This variant is not present in population databases (ExAC no frequency). This variant has not been reported in the literature in individuals affected with POLE-related conditions. Algorithms developed to predict the effect of missense changes on protein structure and function (SIFT, PolyPhen-2, Align-GVGD) all suggest that this variant is likely to be tolerated. In summary, the available evidence is currently insufficient to determine the role of this variant in disease. Therefore, it has been classified as a Variant of Uncertain Significance.